The following is an entry in ClinVar:

NM_053025.4(MYLK):c.685G>A (p.Gly229Arg)

Gene: MYLK (myosin light chain kinase; minus strand). Cytogenetic location: 3q21.1.
Variant type: single nucleotide variant.
Coding change: c.685G>A on transcript NM_053025.4 (MANE Select); coding-DNA position 685, G replaced by A.
Protein change: p.Gly229Arg; replaces glycine 229 with arginine.
Molecular consequence: missense variant.
Genome position (GRCh38, 1-based): chr3:123,737,447, C>T on the plus strand (G>A on the coding strand, the complement: MYLK is on the minus strand). VCF-style: chr3-123737447-C-T. GRCh37 (hg19) VCF-style: chr3-123456294-C-T.
Other names: c.157G>A, p.Gly53Arg (NM_001321309.2); c.685G>A, p.Gly229Arg (NM_053026.4, NM_053027.4, NM_053028.4); short protein forms G229R, G53R.
Identifiers: ClinVar variation 4800499 (VCV004800499.1).

ClinVar aggregate classification (germline): Uncertain significance (1 of 4 stars; one submission).

Conditions:
Aortic aneurysm, familial thoracic 7 (AAT7). Also called: AORTIC DISSECTION, FAMILIAL, WITH OR WITHOUT AORTIC ANEURYSM. Identifiers: MedGen C3151077, MONDO:0013418, OMIM 613780.

Submission:

Labcorp Genetics (formerly Invitae), Labcorp
Classification: Uncertain significance for Aortic aneurysm, familial thoracic 7. Last evaluated: 2025-05-05. Review status: criteria provided, single submitter. Criteria: Invitae Variant Classification Sherloc (09022015). Collection method: clinical testing. Allele origin: germline.
Comment: This sequence change replaces glycine, which is neutral and non-polar, with arginine, which is basic and polar, at codon 229 of the MYLK protein (p.Gly229Arg). This variant is present in population databases (no rsID available, gnomAD 0.003%). This variant has not been reported in the literature in individuals affected with MYLK-related conditions. An algorithm developed to predict the effect of missense changes on protein structure and function (PolyPhen-2) suggests that this variant is likely to be disruptive. In summary, the available evidence is currently insufficient to determine the role of this variant in disease. Therefore, it has been classified as a Variant of Uncertain Significance.